The following is an entry in ClinVar:

ClinVar aggregate classification (germline): Uncertain significance. Review status: criteria provided, multiple submitters, no conflicts (2 of 4 stars). 2 submissions from 2 submitters: Uncertain significance (2). Last evaluated 2024-01-15.

Allele frequency attached by ClinVar (database versions not stated): gnomAD exomes below 0.00001; TOPMed 0.00001; gnomAD 0.00002.
gnomAD v4.1: 3 of 1,208,005 alleles (0.00025%); highest among the groups gnomAD compares: African/African-American, 0.0018%; no homozygotes.

Submissions (2):

Labcorp Genetics (formerly Invitae), Labcorp
Classification: Uncertain significance. Last evaluated: 2024-01-15. Review status: criteria provided, single submitter. Criteria: Invitae Variant Classification Sherloc (09022015). Collection method: clinical testing. Allele origin: germline.
Comment: This sequence change replaces alanine, which is neutral and non-polar, with valine, which is neutral and non-polar, at codon 187 of the BRWD3 protein (p.Ala187Val). This variant is not present in population databases (gnomAD no frequency). This variant has not been reported in the literature in individuals affected with BRWD3-related conditions. Advanced modeling of protein sequence and biophysical properties (such as structural, functional, and spatial information, amino acid conservation, physicochemical variation, residue mobility, and thermodynamic stability) performed at Invitae indicates that this missense variant is not expected to disrupt BRWD3 protein function with a negative predictive value of 80%. In summary, the available evidence is currently insufficient to determine the role of this variant in disease. Therefore, it has been classified as a Variant of Uncertain Significance.

GeneDx
Classification: Uncertain significance. Last evaluated: 2023-06-02. Review status: criteria provided, single submitter. Criteria: GeneDx Variant Classification Process June 2021. Collection method: clinical testing. Allele origin: germline. Affected: yes.
Comment: Not observed at significant frequency in large population cohorts (gnomAD); In silico analysis supports that this missense variant does not alter protein structure/function; Has not been previously published as pathogenic or benign to our knowledge

NM_153252.5(BRWD3):c.560C>T (p.Ala187Val)

Gene: BRWD3 (bromodomain and WD repeat domain containing 3; minus strand). Cytogenetic location: Xq21.1.
Variant type: single nucleotide variant.
Coding change: c.560C>T on transcript NM_153252.5 (MANE Select); coding-DNA position 560, C replaced by T.
Protein change: p.Ala187Val; replaces alanine 187 with valine.
Molecular consequence: missense variant.
Genome position (GRCh38, 1-based): chrX:80,745,600, G>A on the plus strand (C>T on the coding strand, the complement: BRWD3 is on the minus strand). VCF-style: chrX-80745600-G-A. GRCh37 (hg19) VCF-style: chrX-80001099-G-A.
Other names: c.560C>T (NM_153252.4); short protein forms A187V.
Identifiers: ClinVar variation 2896337 (VCV002896337.4), dbSNP rs1166658315, ClinGen allele CA413607382.